The following is an entry in ClinVar:

NM_004408.4(DNM1):c.1109T>C (p.Phe370Ser)

Gene: DNM1 (dynamin 1; plus strand). Cytogenetic location: 9q34.11.
Variant type: single nucleotide variant.
Coding change: c.1109T>C on transcript NM_004408.4 (MANE Select); coding-DNA position 1109, T replaced by C.
Protein change: p.Phe370Ser; replaces phenylalanine 370 with serine.
Molecular consequence: missense variant.
Genome position (GRCh38, 1-based): chr9:128,222,577, T>C. VCF-style: chr9-128222577-T-C. GRCh37 (hg19) VCF-style: chr9-130984856-T-C.
Other names: c.1109T>C, p.Phe370Ser (NM_001005336.3, NM_001288737.2, NM_001288738.2 and 2 more transcripts); short protein forms F370S.
Identifiers: ClinVar variation 3381309 (VCV003381309.1).

ClinVar aggregate classification (germline): Uncertain significance (1 of 4 stars; one submission).

Submission:

GeneDx
Classification: Uncertain significance. Last evaluated: 2024-05-23. Review status: criteria provided, single submitter. Criteria: GeneDx Variant Classification Process June 2021. Collection method: clinical testing. Allele origin: germline. Affected: yes.
Comment: Not observed at significant frequency in large population cohorts (gnomAD); In silico analysis supports that this missense variant has a deleterious effect on protein structure/function; Has not been previously published as pathogenic or benign to our knowledge